The following is an entry in ClinVar:

ClinVar aggregate classification (germline): Benign (1 of 4 stars; one submission).

Allele frequency attached by ClinVar (database versions not stated): gnomAD 0.05264 and 0.05540; TOPMed 0.05792; 1000 Genomes Project 0.06050; 1000 Genomes Project 30x 0.06293.
gnomAD v4.1: 7,948 of 151,866 alleles (5.2%); highest among the groups gnomAD compares: African/African-American, 16%; 592 homozygotes.

Submission:

GeneDx
Classification: Benign. Last evaluated: 2018-06-14. Review status: criteria provided, single submitter. Criteria: GeneDx Variant Classification (06012015). Collection method: clinical testing. Allele origin: germline. Affected: yes.
Comment: This variant is considered likely benign or benign based on one or more of the following criteria: it is a conservative change, it occurs at a poorly conserved position in the protein, it is predicted to be benign by multiple in silico algorithms, and/or has population frequency not consistent with disease.

NM_001375808.2(LPIN2):c.1168+290C>T

Gene: LPIN2 (lipin 2; minus strand). Cytogenetic location: 18p11.31.
Variant type: single nucleotide variant.
Coding change: c.1168+290C>T on transcript NM_001375808.2 (MANE Select); 290 bases into the intron after coding-DNA position 1168, C replaced by T.
Molecular consequence: intron variant.
Genome position (GRCh38, 1-based): chr18:2,937,402, G>A on the plus strand (C>T on the coding strand, the complement: LPIN2 is on the minus strand). VCF-style: chr18-2937402-G-A. GRCh37 (hg19) VCF-style: chr18-2937400-G-A.
Other names: c.1168+290C>T (NM_014646.2, NM_001375809.1).
Identifiers: ClinVar variation 672551 (VCV000672551.1), dbSNP rs7229067, ClinGen allele CA295507144.